The following is an entry in ClinVar:

NM_000147.5(FUCA1):c.55_60dup (p.Leu20_Phe21insLeuLeu)

Gene: FUCA1 (alpha-L-fucosidase 1; minus strand). Cytogenetic location: 1p36.11.
Variant type: Duplication.
Coding change: c.55_60dup on transcript NM_000147.5 (MANE Select); coding-DNA positions 55 to 60, 6 bases duplicated (CTGCTC; older notation c.55_60dupCTGCTC).
Protein change: p.Leu20_Phe21insLeuLeu.
Molecular consequence: inframe insertion. On other transcripts: non-coding transcript variant (4).
Genome position (GRCh38, 1-based): chr1:23,868,227-23,868,232, GAGCAG duplicated on the plus strand (CTGCTC on the coding strand, the reverse complement: FUCA1 is on the minus strand). VCF-style (leftmost placement, unchanged base first): chr1-23868226-A-AGAGCAG. GRCh37 (hg19) VCF-style: chr1-24194716-A-AGAGCAG.
Other names: c.55_60dup (NM_000147.4).
Identifiers: ClinVar variation 2161698 (VCV002161698.5), dbSNP rs899736238, ClinGen allele CA19283643.

ClinVar aggregate classification (germline): Uncertain significance. Review status: criteria provided, multiple submitters, no conflicts (2 of 4 stars). 2 submissions from 2 submitters: Uncertain significance (2). Last evaluated 2024-11-02.

Conditions:
Fucosidosis. Also called: ALPHA-L-FUCOSIDASE DEFICIENCY. Identifiers: Orphanet 349, MedGen C0016788, MONDO:0009254, OMIM 230000.

Allele frequency attached by ClinVar (database versions not stated): gnomAD 0.00001; TOPMed 0.00001.

Submissions (2):

GeneDx
Classification: Uncertain significance. Last evaluated: 2024-11-02. Review status: criteria provided, single submitter. Criteria: GeneDx Variant Classification Process June 2021. Collection method: clinical testing. Allele origin: germline. Affected: yes.
Comment: Not observed at significant frequency in large population cohorts (gnomAD); In-frame duplication of 2 amino acid(s) in a non-repeat region; Has not been previously published as pathogenic or benign to our knowledge

Labcorp Genetics (formerly Invitae), Labcorp
Classification: Uncertain significance for Fucosidosis. Last evaluated: 2022-10-13. Review status: criteria provided, single submitter. Criteria: Invitae Variant Classification Sherloc (09022015). Collection method: clinical testing. Allele origin: germline.
Comment: In summary, the available evidence is currently insufficient to determine the role of this variant in disease. Therefore, it has been classified as a Variant of Uncertain Significance. Experimental studies and prediction algorithms are not available or were not evaluated, and the functional significance of this variant is currently unknown. This variant has not been reported in the literature in individuals affected with FUCA1-related conditions. This variant is not present in population databases (gnomAD no frequency). This variant, c.55_60dup, results in the insertion of 2 amino acid(s) of the FUCA1 protein (p.Leu19_Leu20dup), but otherwise preserves the integrity of the reading frame.